The following is an entry in ClinVar:

ClinVar aggregate classification (germline): Benign/Likely benign. Review status: criteria provided, multiple submitters, no conflicts (2 of 4 stars). 4 submissions from 4 submitters: Benign (1); Likely benign (2). 1 of the submissions does not count toward it. Last evaluated 2026-08-01.

Conditions:
DZIP1L-related disorder. Also called: DZIP1L-related condition.

Allele frequency attached by ClinVar (database versions not stated): gnomAD 0.00043 and 0.00052; ESP Exome Variant Server 0.00046; TOPMed 0.00052; 1000 Genomes Project 0.00120; 1000 Genomes Project 30x 0.00125.
gnomAD v4.1: 1,047 of 1,614,080 alleles (0.065%); highest among the groups gnomAD compares: South Asian, 0.46%; 6 homozygotes.

Submissions (4):

CeGaT Center for Human Genetics Tuebingen
Classification: Likely benign. Last evaluated: 2026-08-01. Review status: criteria provided, single submitter. Criteria: CeGaT Center For Human Genetics Tuebingen Variant Classification Criteria Version 2. Collection method: clinical testing. Allele origin: germline. Affected: yes. Observed: 1 variant allele.
Comment: DZIP1L: BP4

Labcorp Genetics (formerly Invitae), Labcorp
Classification: Benign. Last evaluated: 2025-11-17. Review status: criteria provided, single submitter. Criteria: Invitae Variant Classification Sherloc (09022015). Collection method: clinical testing. Allele origin: germline.

Blueprint Genetics
Classification: Likely benign. Last evaluated: 2024-11-21. Review status: criteria provided, single submitter. Criteria: ACMG Guidelines, 2015. Collection method: clinical testing. Allele origin: germline.

PreventionGenetics, part of Exact Sciences
Classification: Likely benign for DZIP1L-related condition. Last evaluated: 2020-08-26. Review status: no assertion criteria provided. Collection method: clinical testing. Allele origin: germline. Not counted in ClinVar's aggregate classification.
Comment: This variant is classified as likely benign based on ACMG/AMP sequence variant interpretation guidelines (Richards et al. 2015 PMID: 25741868, with internal and published modifications).

NM_173543.3(DZIP1L):c.2284C>T (p.Pro762Ser)

Gene: DZIP1L (DAZ interacting zinc finger protein 1 like; minus strand). Cytogenetic location: 3q22.3.
Variant type: single nucleotide variant.
Coding change: c.2284C>T on transcript NM_173543.3 (MANE Select); coding-DNA position 2284, C replaced by T.
Protein change: p.Pro762Ser; replaces proline 762 with serine.
Molecular consequence: missense variant.
Genome position (GRCh38, 1-based): chr3:138,062,836, G>A on the plus strand (C>T on the coding strand, the complement: DZIP1L is on the minus strand). VCF-style: chr3-138062836-G-A. GRCh37 (hg19) VCF-style: chr3-137781678-G-A.
Other names: short protein forms P762S.
Identifiers: ClinVar variation 722788 (VCV000722788.14), dbSNP rs142617141, ClinGen allele CA2634597.
Genomic context (GRCh38, chr3:138,062,836, plus strand): 5'-AGCCAGGCTAACCCTCTAGCCAGCTAGCTTCTGGGGTGAATCACCAGGCAGGGACCCTGG[G>A]TTGGCCAGAGCTCTGTGGACCAGTGCCAAACTTCTCTGGGAGCTTTGAGCGAGACAAGGG-3'
Protein context (NP_775814.2, residues 752-767): FGTGPQSSGQ[Pro762Ser]RVPAW